The following is an entry in ClinVar:

NM_025009.5(CEP135):c.2500_2501dup (p.Asn834fs)

Gene: CEP135 (centrosomal protein 135; plus strand). Cytogenetic location: 4q12.
Variant type: Duplication.
Coding change: c.2500_2501dup on transcript NM_025009.5 (MANE Select); coding-DNA positions 2500 to 2501, 2 bases duplicated (AA; older notation c.2500_2501dupAA).
Protein change: p.Asn834fs; shifts the reading frame from asparagine 834.
Molecular consequence: frameshift variant.
Genome position (GRCh38, 1-based): chr4:56,009,898-56,009,899, AA duplicated; duplicating any 2 consecutive bases within chr4:56,009,896-56,009,899 gives the same sequence; the c. name uses the placement nearest the transcript's 3' end. VCF-style (leftmost placement, unchanged base first): chr4-56009895-G-GAA. GRCh37 (hg19) VCF-style: chr4-56876061-G-GAA.
Other names: short protein forms N834fs.
Identifiers: ClinVar variation 2173838 (VCV002173838.4), dbSNP rs1374930303, ClinGen allele CA439491569.

ClinVar aggregate classification (germline): Pathogenic (1 of 4 stars; one submission).

Submission:

Labcorp Genetics (formerly Invitae), Labcorp
Classification: Pathogenic. Last evaluated: 2024-10-07. Review status: criteria provided, single submitter. Criteria: Invitae Variant Classification Sherloc (09022015). Collection method: clinical testing. Allele origin: germline.
Comment: This sequence change creates a premature translational stop signal (p.Asn834Lysfs*19) in the CEP135 gene. It is expected to result in an absent or disrupted protein product. Loss-of-function variants in CEP135 are known to be pathogenic (PMID: 22521416, 26657937). This variant is not present in population databases (gnomAD no frequency). This variant has not been reported in the literature in individuals affected with CEP135-related conditions. ClinVar contains an entry for this variant (Variation ID: 2173838). For these reasons, this variant has been classified as Pathogenic.

Literature cited by the submitters: PubMed 22521416; PubMed 26657937.